The following is an entry in ClinVar:

NM_000465.4(BARD1):c.1142_1162del (p.Ser381_Phe387del)

Gene: BARD1 (BRCA1 associated RING domain 1; minus strand). Cytogenetic location: 2q35.
Variant type: Deletion.
Coding change: c.1142_1162del on transcript NM_000465.4 (MANE Select); coding-DNA positions 1142 to 1162, 21 bases deleted (GTAACATGTCCGATGAATTCA).
Protein change: p.Ser381_Phe387del.
Molecular consequence: inframe deletion. On other transcripts: non-coding transcript variant (2), intron variant (3).
Genome position (GRCh38, 1-based): chr2:214,780,712-214,780,732, TGAATTCATCGGACATGTTAC deleted on the plus strand (GTAACATGTCCGATGAATTCA on the coding strand, the reverse complement: BARD1 is on the minus strand); deleting any 21 consecutive bases within chr2:214,780,712-214,780,734 gives the same sequence; the c. name uses the placement nearest the transcript's 3' end. VCF-style (leftmost placement, unchanged base first): chr2-214780711-ATGAATTCATCGGACATGTTAC-A. GRCh37 (hg19) VCF-style: chr2-215645435-ATGAATTCATCGGACATGTTAC-A.
Other names: c.1085_1105del, p.Ser362_Phe368del (NM_001282543.2); c.159-28177_159-28157del (NM_001282548.2); c.215+16329_215+16349del (NM_001282545.2); c.364+11565_364+11585del (NM_001282549.2).
Identifiers: ClinVar variation 1004262 (VCV001004262.9), dbSNP rs1694955246, ClinGen allele CA1327071011.

ClinVar aggregate classification (germline): Uncertain significance (1 of 4 stars; one submission).

Conditions:
Familial cancer of breast. Also called: Hereditary breast cancer; hereditary breast carcinoma; BREAST CANCER, FAMILIAL. Identifiers: Orphanet 227535, MedGen C0346153, MONDO:0016419, OMIM 114480. Disease mechanism: loss of function.

Submission:

Labcorp Genetics (formerly Invitae), Labcorp
Classification: Uncertain significance for Familial cancer of breast. Last evaluated: 2020-09-01. Review status: criteria provided, single submitter. Criteria: Invitae Variant Classification Sherloc (09022015). Collection method: clinical testing. Allele origin: germline.
Comment: Experimental studies and prediction algorithms are not available or were not evaluated, and the functional significance of this variant is currently unknown. In summary, the available evidence is currently insufficient to determine the role of this variant in disease. Therefore, it has been classified as a Variant of Uncertain Significance. This variant has not been reported in the literature in individuals with BARD1-related conditions. This variant is not present in population databases (ExAC no frequency). This variant, c.1142_1162del, results in the deletion of 7 amino acid(s) of the BARD1 protein (p.Ser381_Phe387del), but otherwise preserves the integrity of the reading frame.